The following is an entry in ClinVar:

ClinVar aggregate classification (germline): Uncertain significance (1 of 4 stars; one submission).

Conditions:
Atypical hemolytic-uremic syndrome. Identifiers: Orphanet 2134, MedGen C2931788, MONDO:0016244.

gnomAD v4.1: 1 of 1,613,996 alleles (0.000062%); highest among the groups gnomAD compares: South Asian, 0.0011%; no homozygotes.

Submission:

Genomenon, Inc
Classification: Uncertain significance for Atypical hemolytic-uremic syndrome. Last evaluated: 2025-10-02. Review status: criteria provided, single submitter. Criteria: Genomenon Sequence Variant Interpretation Standards. Collection method: curation. Allele origin: germline. Affected: yes.
Comment: CD46 p.Ser217Gly (c.649A>G) is a missense variant that changes the amino acid at residue 217 from Serine to Glycine. This variant has been observed in at least one proband affected with atypical hemolytic-uremic syndrome (PMID:34169200). It is absent or not present at a significant frequency in gnomAD. In conclusion, we classify CD46 p.Ser217Gly (c.649A>G) as a variant of uncertain significance.

Literature cited by the submitters: PubMed 34169200.

NM_172351.3(CD46):c.649A>G (p.Ser217Gly)

Gene: CD46 (CD46 molecule; plus strand). Cytogenetic location: 1q32.2.
Variant type: single nucleotide variant.
Coding change: c.649A>G on transcript NM_172351.3 (MANE Select); coding-DNA position 649, A replaced by G.
Protein change: p.Ser217Gly; replaces serine 217 with glycine.
Molecular consequence: missense variant.
Genome position (GRCh38, 1-based): chr1:207,761,422, A>G. VCF-style: chr1-207761422-A-G. GRCh37 (hg19) VCF-style: chr1-207934767-A-G.
Other names: c.649A>G, p.Ser217Gly (NM_172352.3, NM_172353.3, NM_172355.3 and 8 more transcripts); short protein forms S217G.
Identifiers: ClinVar variation 4291169 (VCV004291169.1).